The following is an entry in ClinVar:

ClinVar aggregate classification (germline): Pathogenic (1 of 4 stars; one submission).

Conditions:
Autosomal recessive limb-girdle muscular dystrophy type 2C (LGMDR5). Also called: MUSCULAR DYSTROPHY, DUCHENNE-LIKE; MUSCULAR DYSTROPHY, LIMB-GIRDLE, AUTOSOMAL RECESSIVE 5. Identifiers: Orphanet 353, MedGen C0410173, MONDO:0009677, OMIM 253700. Disease mechanism: Affects gamma-sarcoglycan and also disrupts the integrity of the entire sarcoglycan complex..

Submission:

Labcorp Genetics (formerly Invitae), Labcorp
Classification: Pathogenic for Autosomal recessive limb-girdle muscular dystrophy type 2C. Last evaluated: 2021-11-24. Review status: criteria provided, single submitter. Criteria: Invitae Variant Classification Sherloc (09022015). Collection method: clinical testing. Allele origin: germline.
Comment: This sequence change creates a premature translational stop signal (p.Lys217Glnfs*3) in the SGCG gene. While this is not anticipated to result in nonsense mediated decay, it is expected to disrupt the last 75 amino acid(s) of the SGCG protein. This variant is not present in population databases (gnomAD no frequency). This variant has not been reported in the literature in individuals affected with SGCG-related conditions. This variant disrupts a region of the SGCG protein in which other variant(s) (p.Glu263Lys) have been determined to be pathogenic (PMID: 16832103, 18285821, 24534832, 25802879, 27708273). This suggests that this is a clinically significant region of the protein, and that variants that disrupt it are likely to be disease-causing. For these reasons, this variant has been classified as Pathogenic.

Literature cited by the submitters: PubMed 16832103; PubMed 18285821; PubMed 24534832; PubMed 25802879; PubMed 27708273.

NM_000231.3(SGCG):c.648_649insC (p.Lys217fs)

Gene: SGCG (sarcoglycan gamma; plus strand). Cytogenetic location: 13q12.12.
Variant type: Insertion.
Coding change: c.648_649insC on transcript NM_000231.3 (MANE Select); coding-DNA positions 648 to 649, C inserted.
Protein change: p.Lys217fs; shifts the reading frame from lysine 217.
Molecular consequence: frameshift variant.
Genome position: GRCh38 VCF-style: chr13-23320706-G-GC. GRCh37 (hg19) VCF-style: chr13-23894845-G-GC.
Other names: c.702_703insC, p.Lys235fs (NM_001378244.1); c.648_649insC, p.Lys217fs (NM_001378245.1, NM_001378246.1); short protein forms K217fs, K235fs.
Identifiers: ClinVar variation 1452070 (VCV001452070.6), dbSNP rs2137528211, ClinGen allele CA2573149169.
Genomic context (GRCh38, chr13:23,320,706, plus strand): 5'-CCCCACTCGGAGTCTAAGCATGGATGCCCCAAGGGGTGTGCATATTCAAGCTCACGCTGG[G>GC]AAAATTGAGGCGCTTTCTCAAATGGATATTCTTTTTCATAGTAGTGATGGAATGGTGAGT-3'